The following is an entry in ClinVar:

NM_001614.5(ACTG1):c.612C>T (p.Ala204=)

Gene: ACTG1 (actin gamma 1; minus strand). Cytogenetic location: 17q25.3.
Variant type: single nucleotide variant.
Coding change: c.612C>T on transcript NM_001614.5 (MANE Select); coding-DNA position 612, C replaced by T.
Protein change: p.Ala204=; no amino-acid change (alanine 204 retained).
Molecular consequence: synonymous variant. On other transcripts: non-coding transcript variant (1).
Genome position (GRCh38, 1-based): chr17:81,511,378, G>A on the plus strand (C>T on the coding strand, the complement: ACTG1 is on the minus strand). VCF-style: chr17-81511378-G-A. GRCh37 (hg19) VCF-style: chr17-79478404-G-A.
Other names: c.612C>T, p.Ala204= (NM_001199954.3).
Identifiers: ClinVar variation 1182133 (VCV001182133.8), dbSNP rs368022367, ClinGen allele CA8836036.
Genomic context (GRCh38, chr17:81,511,378, plus strand): 5'-CTCGAAGTCCAGGGCGACGTAGCACAGCTTCTCCTTGATGTCGCGCACGATTTCCCGCTC[G>A]GCCGTGGTGGTGAAGCTGTAGCCTCGCTCAGTGAGGATCTTCATGAGGTAGTCGGTCAGG-3'
Protein context (NP_001605.1, residues 194-214): TERGYSFTTT[Ala204=]EREIVRDIKE

ClinVar aggregate classification (germline): Benign/Likely benign. Review status: criteria provided, multiple submitters, no conflicts (2 of 4 stars). 4 submissions from 4 submitters: Benign (2); Likely benign (1). 1 of the submissions does not count toward it. Last evaluated 2025-10-18.

Conditions:
ACTG1-related disorder. Also called: ACTG1-related condition; ACTG1-related disorders.
Baraitser-winter syndrome 2. Identifiers: Orphanet 2995, MedGen C3281235, MONDO:0013812, OMIM 614583.
Autosomal dominant nonsyndromic hearing loss 20. Identifiers: Orphanet 90635, MedGen C1858172, MONDO:0011480, OMIM 604717.

Allele frequency attached by ClinVar (database versions not stated): TOPMed 0.00007; ESP Exome Variant Server 0.00008; gnomAD 0.00008 and 0.00009; gnomAD exomes 0.00014; ExAC 0.00016.
gnomAD v4.1: 118 of 1,613,836 alleles (0.0073%); highest among the groups gnomAD compares: East Asian, 0.036%; no homozygotes.

Submissions (4):

Labcorp Genetics (formerly Invitae), Labcorp
Classification: Benign for Baraitser-winter syndrome 2; Autosomal dominant nonsyndromic hearing loss 20. Last evaluated: 2025-10-18. Review status: criteria provided, single submitter. Criteria: Invitae Variant Classification Sherloc (09022015). Collection method: clinical testing. Allele origin: germline.

Blueprint Genetics
Classification: Likely benign. Last evaluated: 2023-09-14. Review status: criteria provided, single submitter. Criteria: ACMG Guidelines, 2015. Collection method: clinical testing. Allele origin: germline.

GeneDx
Classification: Benign. Last evaluated: 2020-05-07. Review status: criteria provided, single submitter. Criteria: GeneDx Variant Classification Process June 2021. Collection method: clinical testing. Allele origin: germline. Affected: yes.

PreventionGenetics, part of Exact Sciences
Classification: Likely benign for ACTG1-related condition. Last evaluated: 2019-08-20. Review status: no assertion criteria provided. Collection method: clinical testing. Allele origin: germline. Not counted in ClinVar's aggregate classification.
Comment: This variant is classified as likely benign based on ACMG/AMP sequence variant interpretation guidelines (Richards et al. 2015 PMID: 25741868, with internal and published modifications).